The following is an entry in ClinVar:

NM_020884.7(MYH7B):c.2717_2719del (p.Ala906del)

Gene: MYH7B (myosin heavy chain 7B; plus strand). Cytogenetic location: 20q11.22.
Variant type: Deletion.
Coding change: c.2717_2719del on transcript NM_020884.7 (MANE Select); coding-DNA positions 2717 to 2719, 3 bases deleted (CAG; older notation c.2717_2719delCAG).
Protein change: p.Ala906del; deletes alanine 906.
Molecular consequence: inframe deletion.
Genome position (GRCh38, 1-based): chr20:34,995,352-34,995,354, CAG deleted; deleting any 3 consecutive bases within chr20:34,995,351-34,995,354 gives the same sequence; the c. name uses the placement nearest the transcript's 3' end. VCF-style (leftmost placement, unchanged base first): chr20-34995350-GGCA-G. GRCh37 (hg19) VCF-style: chr20-33583153-GGCA-G.
Other names: short protein forms A906del.
Identifiers: ClinVar variation 4721810 (VCV004721810.1).

ClinVar aggregate classification (germline): Uncertain significance (1 of 4 stars; one submission).

Submission:

Labcorp Genetics (formerly Invitae), Labcorp
Classification: Uncertain significance. Last evaluated: 2025-06-22. Review status: criteria provided, single submitter. Criteria: Invitae Variant Classification Sherloc (09022015). Collection method: clinical testing. Allele origin: germline.
Comment: This variant, c.2843_2845del, results in the deletion of 1 amino acid(s) of the MYH7B protein (p.Ala948del), but otherwise preserves the integrity of the reading frame. This variant is not present in population databases (gnomAD no frequency). This variant has not been reported in the literature in individuals affected with MYH7B-related conditions. Experimental studies and prediction algorithms are not available or were not evaluated, and the functional significance of this variant is currently unknown. In summary, the available evidence is currently insufficient to determine the role of this variant in disease. Therefore, it has been classified as a Variant of Uncertain Significance.